The following is an entry in ClinVar:

ClinVar aggregate classification (germline): Uncertain significance. Review status: criteria provided, multiple submitters, no conflicts (2 of 4 stars). 2 submissions from 2 submitters: Uncertain significance (2). Last evaluated 2024-01-22.

Conditions:
Joubert syndrome. Also called: CEREBELLOPARENCHYMAL DISORDER IV; JOUBERT-BOLTSHAUSER SYNDROME; Familial aplasia of the vermis. Identifiers: Orphanet 475, MedGen C5979921, MONDO:0018772.
Meckel-Gruber syndrome. Also called: DYSENCEPHALIA SPLANCHNOCYSTICA; GRUBER SYNDROME; Dysencephalia splachnocystica. Identifiers: Orphanet 564, MedGen C0265215, MONDO:0018921.
Joubert syndrome 24 (JBTS24). Identifiers: Orphanet 475, MedGen C4084841, MONDO:0014724, OMIM 616654.
Meckel syndrome, type 8. Identifiers: Orphanet 564, MedGen C3836857, MONDO:0013482, OMIM 613885.

Allele frequency attached by ClinVar (database versions not stated): gnomAD exomes below 0.00001; ExAC 0.00001; gnomAD 0.00001; TOPMed 0.00001.
gnomAD v4.1: 6 of 1,613,222 alleles (0.00037%); highest among the groups gnomAD compares: African/African-American, 0.0027%; no homozygotes.

Submissions (2):

Fulgent Genetics
Classification: Uncertain significance for Meckel syndrome, type 8; Joubert syndrome 24. Last evaluated: 2024-01-22. Review status: criteria provided, single submitter. Criteria: ACMG Guidelines, 2015. Collection method: clinical testing. Allele origin: germline.

Labcorp Genetics (formerly Invitae), Labcorp
Classification: Uncertain significance for Joubert syndrome; Meckel-Gruber syndrome. Last evaluated: 2022-04-15. Review status: criteria provided, single submitter. Criteria: Invitae Variant Classification Sherloc (09022015). Collection method: clinical testing. Allele origin: germline.
Comment: In summary, the available evidence is currently insufficient to determine the role of this variant in disease. Therefore, it has been classified as a Variant of Uncertain Significance. Algorithms developed to predict the effect of missense changes on protein structure and function are either unavailable or do not agree on the potential impact of this missense change (SIFT: "Tolerated"; PolyPhen-2: "Possibly Damaging"; Align-GVGD: "Class C0"). This variant has not been reported in the literature in individuals affected with TCTN2-related conditions. The frequency data for this variant in the population databases is considered unreliable, as metrics indicate poor data quality at this position in the gnomAD database. This sequence change replaces glycine, which is neutral and non-polar, with serine, which is neutral and polar, at codon 555 of the TCTN2 protein (p.Gly555Ser).

NM_024809.5(TCTN2):c.1663G>A (p.Gly555Ser)

Gene: TCTN2 (tectonic family member 2; plus strand). Cytogenetic location: 12q24.31.
Variant type: single nucleotide variant.
Coding change: c.1663G>A on transcript NM_024809.5 (MANE Select); coding-DNA position 1663, G replaced by A.
Protein change: p.Gly555Ser; replaces glycine 555 with serine.
Molecular consequence: missense variant.
Genome position (GRCh38, 1-based): chr12:123,704,582, G>A. VCF-style: chr12-123704582-G-A. GRCh37 (hg19) VCF-style: chr12-124189129-G-A.
Other names: c.1660G>A, p.Gly554Ser (NM_001143850.3); short protein forms G555S, G554S.
Identifiers: ClinVar variation 1356313 (VCV001356313.6), dbSNP rs776273224, ClinGen allele CA6861296.